The following is an entry in ClinVar:

ClinVar aggregate classification (germline): Benign (0 of 4 stars; one submission).

Conditions:
ALDH1A2-related disorder. Also called: ALDH1A2-related condition.

Allele frequency attached by ClinVar (database versions not stated): gnomAD exomes 0.04123; ExAC 0.04978; 1000 Genomes Project 30x 0.01265; 1000 Genomes Project 0.01318; TOPMed 0.02923; gnomAD 0.03047; ESP Exome Variant Server 0.03287.
gnomAD v4.1: 63,286 of 1,579,938 alleles (4%); highest among the groups gnomAD compares: Non-Finnish European, 4.6%; 1,428 homozygotes.

Submission:

PreventionGenetics, part of Exact Sciences
Classification: Benign for ALDH1A2-related condition. Last evaluated: 2019-05-03. Review status: no assertion criteria provided. Collection method: clinical testing. Allele origin: germline.
Comment: This variant is classified as benign based on ACMG/AMP sequence variant interpretation guidelines (Richards et al. 2015 PMID: 25741868, with internal and published modifications).

NM_003888.4(ALDH1A2):c.-6G>A

Genes: ALDH1A2 (aldehyde dehydrogenase 1 family member A2; minus strand), ALDH1A2-AS1 (ALDH1A2 antisense RNA 1; plus strand). Cytogenetic location: 15q21.3.
Variant type: single nucleotide variant.
Coding change: c.-6G>A on transcript NM_003888.4 (MANE Select); 6 bases upstream of the start codon, G replaced by A.
Molecular consequence: 5 prime UTR variant. On other transcripts: non-coding transcript variant (1).
Genome position (GRCh38, 1-based): chr15:58,065,656, C>T on the plus strand (G>A on the coding strand, the complement: ALDH1A2 is on the minus strand). VCF-style: chr15-58065656-C-T. GRCh37 (hg19) VCF-style: chr15-58357854-C-T.
Other names: c.-166G>A (NM_001206897.2); c.-6G>A (NM_170696.3).
Identifiers: ClinVar variation 3060978 (VCV003060978.2), dbSNP rs34645259, ClinGen allele CA7584279.